The following is an entry in ClinVar:

ClinVar aggregate classification (germline): Benign (1 of 4 stars; one submission).

Conditions:
Xeroderma pigmentosum variant type. Also called: PHOTOSENSITIVITY WITH DEFECTIVE DNA SYNTHESIS; XERODERMA PIGMENTOSUM WITH NORMAL DNA REPAIR RATES; POLH-Related Xeroderma Pigmentosum. Identifiers: Orphanet 90342, MedGen C1848410, MONDO:0010214, OMIM 278750.

Allele frequency attached by ClinVar (database versions not stated): 1000 Genomes Project 0.00958; TOPMed 0.01731.

Submission:

Illumina Laboratory Services, Illumina
Classification: Benign for Xeroderma pigmentosum variant type. Last evaluated: 2018-01-13. Review status: criteria provided, single submitter. Criteria: ICSL Variant Classification Criteria 13 December 2019. Collection method: clinical testing. Allele origin: germline.
Comment: This variant was observed in the ICSL laboratory as part of a predisposition screen in an ostensibly healthy population. It had not been previously curated by ICSL or reported in the Human Gene Mutation Database (HGMD: prior to June 1st, 2018), and was therefore a candidate for classification through an automated scoring system. Utilizing variant allele frequency, disease prevalence and penetrance estimates, and inheritance mode, an automated score was calculated to assess if this variant is too frequent to cause the disease. Based on the score and internal cut-off values, a variant classified as benign is not then subjected to further curation. The score for this variant resulted in a classification of benign for this disease.

NM_006502.3(POLH):c.*5933T>A

Gene: POLH (DNA polymerase eta; plus strand). Cytogenetic location: 6p21.1.
Variant type: single nucleotide variant.
Coding change: c.*5933T>A on transcript NM_006502.3 (MANE Select); 5933 bases downstream of the stop codon, T replaced by A.
Molecular consequence: 3 prime UTR variant.
Genome position (GRCh38, 1-based): chr6:43,620,490, T>A. VCF-style: chr6-43620490-T-A. GRCh37 (hg19) VCF-style: chr6-43588227-T-A.
Other names: c.*5933T>A (NM_001291969.2); c.*6759T>A (NM_001291970.2).
Identifiers: ClinVar variation 910835 (VCV000910835.6), dbSNP rs567230078, ClinGen allele CA138310077.